The following is an entry in ClinVar:

ClinVar aggregate classification (germline): Uncertain significance (1 of 4 stars; one submission).

Allele frequency attached by ClinVar (database versions not stated): TOPMed below 0.00001; gnomAD 0.00001.
gnomAD v4.1: 1 of 1,612,776 alleles (0.000062%); highest among the groups gnomAD compares: African/African-American, 0.0013%; no homozygotes.

Submission:

Labcorp Genetics (formerly Invitae), Labcorp
Classification: Uncertain significance. Last evaluated: 2022-02-02. Review status: criteria provided, single submitter. Criteria: Invitae Variant Classification Sherloc (09022015). Collection method: clinical testing. Allele origin: germline.
Comment: This sequence change replaces proline, which is neutral and non-polar, with histidine, which is basic and polar, at codon 641 of the COL11A2 protein (p.Pro641His). This variant is not present in population databases (gnomAD no frequency). This variant has not been reported in the literature in individuals affected with COL11A2-related conditions. Advanced modeling of protein sequence and biophysical properties (such as structural, functional, and spatial information, amino acid conservation, physicochemical variation, residue mobility, and thermodynamic stability) performed at Invitae indicates that this missense variant is not expected to disrupt COL11A2 protein function. In summary, the available evidence is currently insufficient to determine the role of this variant in disease. Therefore, it has been classified as a Variant of Uncertain Significance.

NM_080680.3(COL11A2):c.1922C>A (p.Pro641His)

Gene: COL11A2 (collagen type XI alpha 2 chain; minus strand). Cytogenetic location: 6p21.32.
Variant type: single nucleotide variant.
Coding change: c.1922C>A on transcript NM_080680.3 (MANE Select); coding-DNA position 1922, C replaced by A.
Protein change: p.Pro641His; replaces proline 641 with histidine.
Molecular consequence: missense variant.
Genome position (GRCh38, 1-based): chr6:33,177,461, G>T on the plus strand (C>A on the coding strand, the complement: COL11A2 is on the minus strand). VCF-style: chr6-33177461-G-T. GRCh37 (hg19) VCF-style: chr6-33145238-G-T.
Other names: c.1601C>A, p.Pro534His (NM_080679.3); c.1664C>A, p.Pro555His (NM_080681.3); short protein forms P534H, P555H, P641H.
Identifiers: ClinVar variation 1511561 (VCV001511561.5), dbSNP rs1771085146, ClinGen allele CA363654804.